The following is an entry in ClinVar:

NM_000214.3(JAG1):c.707A>G (p.Gln236Arg)

Gene: JAG1 (jagged canonical Notch ligand 1; minus strand). Cytogenetic location: 20p12.2.
Variant type: single nucleotide variant.
Coding change: c.707A>G on transcript NM_000214.3 (MANE Select); coding-DNA position 707, A replaced by G.
Protein change: p.Gln236Arg; replaces glutamine 236 with arginine.
Molecular consequence: missense variant.
Genome position (GRCh38, 1-based): chr20:10,656,446, T>C on the plus strand (A>G on the coding strand, the complement: JAG1 is on the minus strand). VCF-style: chr20-10656446-T-C. GRCh37 (hg19) VCF-style: chr20-10637094-T-C.
Other names: short protein forms Q236R.
Identifiers: ClinVar variation 5022886 (VCV005022886.1).

ClinVar aggregate classification (germline): Uncertain significance (1 of 4 stars; one submission).

Conditions:
Cardiovascular phenotype. Identifiers: MedGen CN230736.

gnomAD v4.1: 2 of 1,614,012 alleles (0.00012%); highest among the groups gnomAD compares: Admixed American, 0.0017%; no homozygotes.

Submission:

Ambry Genetics
Classification: Uncertain significance for Cardiovascular phenotype. Last evaluated: 2026-09-10. Review status: criteria provided, single submitter. Criteria: Ambry Variant Classification Scheme 2023. Collection method: clinical testing. Allele origin: germline.
Comment: The c.707A>G (p.Q236R) alteration is located in exon 5 (coding exon 5) of the JAG1 gene. This alteration results from a A to G substitution at nucleotide position 707, causing the glutamine (Q) at amino acid position 236 to be replaced by an arginine (R). Based on data from gnomAD, the G allele has an overall frequency of <0.001% (1/251324) total alleles studied. The highest observed frequency was 0.003% (1/34586) of Latino alleles. Based on insufficient or conflicting evidence, the clinical significance of this alteration remains unclear.